The following is an entry in ClinVar:

ClinVar aggregate classification (germline): Pathogenic (1 of 4 stars; one submission).

Conditions:
Cone-rod dystrophy 9 (CORD9). Identifiers: Orphanet 1872, MedGen C1423873, MONDO:0013002, OMIM 612775.

Submission:

Centre for Human Genetics, University of Kinshasa
Classification: Pathogenic for Cone-rod dystrophy 9. Last evaluated: 2024-03-07. Review status: criteria provided, single submitter. Criteria: ACMG Guidelines, 2015. Collection method: research. Allele origin: maternal. Inheritance: Autosomal recessive inheritance. Affected: yes. Observed: 3 compound heterozygotes. Clinical features observed: Night blindness (HP:0000662), Blindness (HP:0000618), Spicular pigmentation of the retina (HP:0007737), Abnormal retinal vascular morphology (HP:0008046), Retinal pigment epithelial atrophy (HP:0007722).
Comment: The variants in a gene (ADAM9) are associated with cone-rod dystrophy 9. The variant leads to a stop codon in a gene in which null variants are a known mechanism of pathogenicity for the condition. The variant is absent from the gnomAD population database. The recurrence of the co-segregation of this in the three affected siblings and the match with the known mode of inheritance led to the assumption of compound heterozygosity as the most likely genotype, with a 2kb deletion (chr8:39075513-39077567) on the other chromosome.

NM_003816.3(ADAM9):c.702del (p.Ala234_Val235insTer)

Gene: ADAM9 (ADAM metallopeptidase domain 9; plus strand). Cytogenetic location: 8p11.22.
Variant type: Deletion.
Coding change: c.702del on transcript NM_003816.3 (MANE Select); coding-DNA position 702, one base deleted (T; older notation c.702delT).
Protein change: p.Ala234_Val235insTer.
Molecular consequence: frameshift variant. On other transcripts: non-coding transcript variant (3).
Genome position (GRCh38, 1-based): chr8:39,021,672, T deleted. VCF-style (leftmost placement, unchanged base first): chr8-39021671-CT-C. GRCh37 (hg19) VCF-style: chr8-38879190-CT-C.
Other names: c.702delT (NM_003816.3).
Identifiers: ClinVar variation 3068523 (VCV003068523.1).